The following is an entry in ClinVar:

ClinVar aggregate classification (germline): Uncertain significance (1 of 4 stars; one submission).

Conditions:
Familial adenomatous polyposis 1 (FAP1). Also called: POLYPOSIS, ADENOMATOUS INTESTINAL; FAMILIAL ADENOMATOUS POLYPOSIS 1, ATTENUATED. Identifiers: MedGen C2713442, MONDO:0021056, OMIM 175100. Disease mechanism: loss of function.

gnomAD v4.1: 1 of 1,598,482 alleles (0.000063%); highest among the groups gnomAD compares: East Asian, 0.0022%; no homozygotes.

Submission:

Labcorp Genetics (formerly Invitae), Labcorp
Classification: Uncertain significance for Familial adenomatous polyposis 1. Last evaluated: 2020-02-07. Review status: criteria provided, single submitter. Criteria: Invitae Variant Classification Sherloc (09022015). Collection method: clinical testing. Allele origin: germline.
Comment: This sequence change replaces alanine with serine at codon 214 of the APC protein (p.Ala214Ser). The alanine residue is highly conserved and there is a moderate physicochemical difference between alanine and serine. This variant is not present in population databases (ExAC no frequency). This variant has not been reported in the literature in individuals with APC-related conditions. Algorithms developed to predict the effect of missense changes on protein structure and function are either unavailable or do not agree on the potential impact of this missense change (SIFT: "Deleterious"; PolyPhen-2: "Benign"; Align-GVGD: "Class C0"). In summary, the available evidence is currently insufficient to determine the role of this variant in disease. Therefore, it has been classified as a Variant of Uncertain Significance.

NM_000038.6(APC):c.640G>T (p.Ala214Ser)

Gene: APC (APC regulator of Wnt signaling pathway; plus strand). Cytogenetic location: 5q22.2.
Variant type: single nucleotide variant.
Coding change: c.640G>T on transcript NM_000038.6 (MANE Select); coding-DNA position 640, G replaced by T.
Protein change: p.Ala214Ser; replaces alanine 214 with serine.
Molecular consequence: missense variant. On other transcripts: 5 prime UTR variant (1).
Genome position (GRCh38, 1-based): chr5:112,780,898, G>T. VCF-style: chr5-112780898-G-T. GRCh37 (hg19) VCF-style: chr5-112116595-G-T.
Other names: c.640G>T, p.Ala214Ser (NM_001127510.3, NM_001354895.2, NM_001354896.2 and 2 more transcripts); c.670G>T, p.Ala224Ser (NM_001127511.3, NM_001354897.2, NM_001354902.2); c.565G>T, p.Ala189Ser (NM_001354898.2, NM_001354904.2); c.463G>T, p.Ala155Ser (NM_001354900.2, NM_001354901.2, NM_001354905.2); c.-396G>T (NM_001354906.2); short protein forms A155S, A189S, A214S, A224S.
Identifiers: ClinVar variation 1018308 (VCV001018308.10), dbSNP rs1580380433, ClinGen allele CA16022740.